The following is an entry in ClinVar:

NM_000369.5(TSHR):c.615-31TC[8]

Genes: TSHR (thyroid stimulating hormone receptor; plus strand), TSHR-AS1 (TSHR antisense RNA 1; minus strand). Cytogenetic location: 14q31.1.
Variant type: Microsatellite.
Coding change: c.615-31TC[8] on transcript NM_000369.5 (MANE Select); eight copies in a row of the 2-base unit TC starting at c.615-31.
Molecular consequence: intron variant.
Genome position: GRCh38 VCF-style: chr14-81108343-T-TTCTC. GRCh37 (hg19) VCF-style: chr14-81574687-T-TTCTC.
Other names: c.615-31TC[8] (NM_001142626.3, NM_001018036.3); c.615-22_615-19dupCTCT (NM_000369.2).
Identifiers: ClinVar variation 255954 (VCV000255954.3), dbSNP rs3837640, ClinGen allele CA7294204.

ClinVar aggregate classification (germline): Likely benign (0 of 4 stars; one submission).

Conditions:
TSHR-related disorder. Also called: TSHR-related condition; TSHR-related disorders.

Submission:

PreventionGenetics, part of Exact Sciences
Classification: Likely benign for TSHR-related condition. Last evaluated: 2024-05-01. Review status: no assertion criteria provided. Collection method: clinical testing. Allele origin: germline.
Comment: This variant is classified as likely benign based on ACMG/AMP sequence variant interpretation guidelines (Richards et al. 2015 PMID: 25741868, with internal and published modifications).